The following is an entry in ClinVar:

NM_032383.5(HPS3):c.567_568insTCACAGATGTGTATAA (p.Glu190fs)

Gene: HPS3 (HPS3 biogenesis of lysosomal organelles complex 2 subunit 1; plus strand). Cytogenetic location: 3q24.
Variant type: Insertion.
Coding change: c.567_568insTCACAGATGTGTATAA on transcript NM_032383.5 (MANE Select); coding-DNA positions 567 to 568, TCACAGATGTGTATAA inserted.
Protein change: p.Glu190fs; shifts the reading frame from glutamic acid 190.
Molecular consequence: frameshift variant. On other transcripts: intron variant (1).
Genome position: GRCh38 VCF-style: chr3-149140353-T-TTCACAGATGTGTATAA. GRCh37 (hg19) VCF-style: chr3-148858140-T-TTCACAGATGTGTATAA.
Other names: c.218-664_218-663insTCACAGATGTGTATAA (NM_001308258.2); short protein forms E190fs.
Identifiers: ClinVar variation 5010425 (VCV005010425.1).

ClinVar aggregate classification (germline): Pathogenic (1 of 4 stars; one submission).

Conditions:
Hermansky-Pudlak syndrome 3 (HPS3). Identifiers: Orphanet 231512, Orphanet 79430, MedGen C3888001, MONDO:0013555, OMIM 614072.

Submission:

Myriad Genetics, Inc.
Classification: Pathogenic for Hermansky-Pudlak syndrome 3. Last evaluated: 2024-05-14. Review status: criteria provided, single submitter. Criteria: Myriad Autosomal Dominant, Autosomal Recessive and X-Linked Classification Criteria (2023). Collection method: clinical testing. Allele origin: unknown.
Comment: NM_032383.3(HPS3):c.567_568ins16(E190Sfs*32) is expected to be pathogenic in the context of Hermansky-Pudlak syndrome, HPS3-related. This variant is predicted to lead to an abnormal or absent protein product due to the creation of a premature termination codon in HPS3, a gene where loss-of-function variants are known to be pathogenic. Please note: this variant was assessed in the context of healthy population screening.